The following is an entry in ClinVar:

ClinVar aggregate classification (germline): Likely benign. Review status: criteria provided, single submitter (1 of 4 stars). 2 submissions from 2 submitters: Likely benign (1). 1 of the submissions does not count toward it. Last evaluated 2018-04-26.

Conditions:
PLXNA1-related disorder. Also called: PLXNA1-related condition.

Allele frequency attached by ClinVar (database versions not stated): 1000 Genomes Project 0.00080; gnomAD 0.00064 and 0.00062; 1000 Genomes Project 30x 0.00062; TOPMed 0.00078; ESP Exome Variant Server 0.00123.
gnomAD v4.1: 181 of 1,612,686 alleles (0.011%); highest among the groups gnomAD compares: African/African-American, 0.18%; no homozygotes.

Submissions (2):

Labcorp Genetics (formerly Invitae), Labcorp
Classification: Likely benign. Last evaluated: 2018-04-26. Review status: criteria provided, single submitter. Criteria: Invitae Variant Classification Sherloc (09022015). Collection method: clinical testing. Allele origin: germline.

PreventionGenetics, part of Exact Sciences
Classification: Likely benign for PLXNA1-related condition. Last evaluated: 2021-06-01. Review status: no assertion criteria provided. Collection method: clinical testing. Allele origin: germline. Not counted in ClinVar's aggregate classification.
Comment: This variant is classified as likely benign based on ACMG/AMP sequence variant interpretation guidelines (Richards et al. 2015 PMID: 25741868, with internal and published modifications).

NM_032242.4(PLXNA1):c.1812G>A (p.Thr604=)

Gene: PLXNA1 (plexin A1; plus strand). Cytogenetic location: 3q21.3.
Variant type: single nucleotide variant.
Coding change: c.1812G>A on transcript NM_032242.4 (MANE Select); coding-DNA position 1812, G replaced by A.
Protein change: p.Thr604=; no amino-acid change (threonine 604 retained).
Molecular consequence: synonymous variant.
Genome position (GRCh38, 1-based): chr3:127,005,158, G>A. VCF-style: chr3-127005158-G-A. GRCh37 (hg19) VCF-style: chr3-126724001-G-A.
Identifiers: ClinVar variation 722650 (VCV000722650.5), dbSNP rs149221143, ClinGen allele CA2593371.